The following is an entry in ClinVar:

NM_018714.3(COG1):c.305G>C (p.Arg102Pro)

Genes: COG1 (component of oligomeric golgi complex 1; plus strand), LOC130061577 (ATAC-STARR-seq lymphoblastoid silent region 8921; plus strand). Cytogenetic location: 17q25.1.
Variant type: single nucleotide variant.
Coding change: c.305G>C on transcript NM_018714.3 (MANE Select); coding-DNA position 305, G replaced by C.
Protein change: p.Arg102Pro; replaces arginine 102 with proline.
Molecular consequence: missense variant.
Genome position (GRCh38, 1-based): chr17:73,193,374, G>C. VCF-style: chr17-73193374-G-C. GRCh37 (hg19) VCF-style: chr17-71189513-G-C.
Other names: short protein forms R102P.
Identifiers: ClinVar variation 1507917 (VCV001507917.6), dbSNP rs1305832253, ClinGen allele CA400880880.

ClinVar aggregate classification (germline): Uncertain significance (1 of 4 stars; one submission).

Conditions:
COG1 congenital disorder of glycosylation (CDG2G). Also called: CDG IIg; CDGII/COG1 CEREBROCOSTOMANDIBULAR-LIKE SYNDROME; CONGENITAL DISORDER OF GLYCOSYLATION, TYPE IIg. Identifiers: Orphanet 263508, MedGen C2931011, MONDO:0012637, OMIM 611209.

Allele frequency attached by ClinVar (database versions not stated): TOPMed 0.00001.

Submission:

Labcorp Genetics (formerly Invitae), Labcorp
Classification: Uncertain significance for COG1 congenital disorder of glycosylation. Last evaluated: 2021-10-21. Review status: criteria provided, single submitter. Criteria: Invitae Variant Classification Sherloc (09022015). Collection method: clinical testing. Allele origin: germline.
Comment: In summary, the available evidence is currently insufficient to determine the role of this variant in disease. Therefore, it has been classified as a Variant of Uncertain Significance. Algorithms developed to predict the effect of missense changes on protein structure and function output the following: SIFT: "Deleterious"; PolyPhen-2: "Benign"; Align-GVGD: "Class C35". The proline amino acid residue is found in multiple mammalian species, which suggests that this missense change does not adversely affect protein function. This variant has not been reported in the literature in individuals affected with COG1-related conditions. The frequency data for this variant in the population databases is considered unreliable, as metrics indicate insufficient coverage at this position in the ExAC database. This sequence change replaces arginine with proline at codon 102 of the COG1 protein (p.Arg102Pro). The arginine residue is highly conserved and there is a moderate physicochemical difference between arginine and proline.